The following is an entry in ClinVar:

ClinVar aggregate classification (germline): Benign/Likely benign. Review status: criteria provided, multiple submitters, no conflicts (2 of 4 stars). 7 submissions from 7 submitters: Benign (4); Likely benign (2). 1 of the submissions does not count toward it. Last evaluated 2026-01-29.

Conditions:
Warburg micro syndrome 1 (WARBM1). Identifiers: Orphanet 2510, MedGen C1838625, MONDO:0010822, OMIM 600118.

Allele frequency attached by ClinVar (database versions not stated): gnomAD exomes 0.00251 and 0.00091; gnomAD 0.01014 and 0.01077; ESP Exome Variant Server 0.01231; ExAC 0.00330; 1000 Genomes Project 0.01138; TOPMed 0.01176; 1000 Genomes Project 30x 0.01171.

Submissions (11):

Labcorp Genetics (formerly Invitae), Labcorp
Classification: Benign. Last evaluated: 2026-01-29. Review status: criteria provided, single submitter. Criteria: Invitae Variant Classification Sherloc (09022015). Collection method: clinical testing. Allele origin: germline.

Mayo Clinic Laboratories, Mayo Clinic
Classification: Benign. Last evaluated: 2023-02-13. Review status: criteria provided, single submitter. Criteria: ACMG Guidelines, 2015. Collection method: clinical testing. Allele origin: germline. Observed: 5 variant alleles.
Comment: BS1, BS2, BP4

Athena Diagnostics
Classification: Benign. Last evaluated: 2019-06-25. Review status: criteria provided, single submitter. Criteria: Athena Diagnostics Criteria. Collection method: clinical testing. Allele origin: germline.

Illumina Laboratory Services, Illumina
Classification: Likely benign for Warburg micro syndrome 1. Last evaluated: 2017-04-27. Review status: criteria provided, single submitter. Criteria: ICSL Variant Classification Criteria 13 December 2019. Collection method: clinical testing. Allele origin: germline.
Comment: This variant was observed as part of a predisposition screen in an ostensibly healthy population. A literature search was performed for the gene, cDNA change, and amino acid change (where applicable). No publications were found based on this search. Allele frequency data from public databases allowed determination this variant is unlikely to cause disease. Therefore, this variant is classified as likely benign.

GeneDx
Classification: Benign. Last evaluated: 2015-03-03. Review status: criteria provided, single submitter. Criteria: GeneDx Variant Classification Process June 2021. Collection method: clinical testing. Allele origin: germline. Affected: yes.

Breakthrough Genomics
Classification: Likely benign. Review status: criteria provided, single submitter. Criteria: ACMG Guidelines, 2015. Collection method: not provided. Allele origin: germline. Inheritance: Autosomal recessive inheritance. Affected: yes.

Dr. Peter K. Rogan Lab, Western University
No classification provided (evidence only). Condition: Uterine corpus endometrial carcinoma. Review status: no classification provided. Collection method: in vitro. Allele origin: not applicable. Functional consequence: retained intron. Not counted in ClinVar's aggregate classification.

Dr. Peter K. Rogan Lab, Western University
No classification provided (evidence only). Condition: Thymoma. Review status: no classification provided. Collection method: in vitro. Allele origin: not applicable. Functional consequence: retained intron. Not counted in ClinVar's aggregate classification.

Dr. Peter K. Rogan Lab, Western University
No classification provided (evidence only). Condition: Ovarian serous cystadenocarcinoma. Review status: no classification provided. Collection method: in vitro. Allele origin: not applicable. Functional consequence: retained intron. Not counted in ClinVar's aggregate classification.

Dr. Peter K. Rogan Lab, Western University
No classification provided (evidence only). Condition: Ovarian serous cystadenocarcinoma. Review status: no classification provided. Collection method: in vitro. Allele origin: not applicable. Functional consequence: retained intron. Not counted in ClinVar's aggregate classification.

Genetic Services Laboratory, University of Chicago
Classification: Likely benign for AllHighlyPenetrant. Review status: no assertion criteria provided. Collection method: clinical testing. Allele origin: germline. Inheritance: Autosomal recessive inheritance. Not counted in ClinVar's aggregate classification.
Comment: Likely benign based on allele frequency in 1000 Genomes Project or ESP global frequency and its presence in a patient with a rare or unrelated disease phenotype. NOT Sanger confirmed.

NM_012233.3(RAB3GAP1):c.1325A>G (p.Tyr442Cys)

Gene: RAB3GAP1 (RAB3 GTPase activating protein catalytic subunit 1; plus strand). Cytogenetic location: 2q21.3.
Variant type: single nucleotide variant.
Coding change: c.1325A>G on transcript NM_012233.3 (MANE Select); coding-DNA position 1325, A replaced by G.
Protein change: p.Tyr442Cys; replaces tyrosine 442 with cysteine.
Molecular consequence: missense variant.
Genome position (GRCh38, 1-based): chr2:135,132,983, A>G. VCF-style: chr2-135132983-A-G. GRCh37 (hg19) VCF-style: chr2-135890553-A-G.
Other names: p.Tyr442Cys; c.1325A>G, p.Tyr442Cys (NM_001172435.2); short protein forms Y442C.
Identifiers: ClinVar variation 130063 (VCV000130063.23), dbSNP rs114901298, ClinGen allele CA154830.